The following is an entry in ClinVar:

ClinVar aggregate classification (germline): Uncertain significance (1 of 4 stars; one submission).

Conditions:
Microcephaly, normal intelligence and immunodeficiency (NBS). Also called: IMMUNODEFICIENCY, MICROCEPHALY, AND CHROMOSOMAL INSTABILITY; SEEMANOVA SYNDROME II; Immunodeficiency, microcephaly with normal intelligence; Ataxia telangiectasia variant V1; Nijmegen breakage syndrome; Microcephaly with normal intelligence immunodeficiency and lymphoreticular malignancies. Identifiers: Orphanet 647, MedGen C0398791, MONDO:0009623, OMIM 251260.

Submission:

Labcorp Genetics (formerly Invitae), Labcorp
Classification: Uncertain significance for Microcephaly, normal intelligence and immunodeficiency. Last evaluated: 2021-10-18. Review status: criteria provided, single submitter. Criteria: Invitae Variant Classification Sherloc (09022015). Collection method: clinical testing. Allele origin: germline.
Comment: This variant has not been reported in the literature in individuals affected with NBN-related conditions. This sequence change replaces phenylalanine with cysteine at codon 180 of the NBN protein (p.Phe180Cys). The phenylalanine residue is weakly conserved and there is a large physicochemical difference between phenylalanine and cysteine. This variant is not present in population databases (ExAC no frequency). ClinVar contains an entry for this variant (Variation ID: 411744). Algorithms developed to predict the effect of missense changes on protein structure and function are either unavailable or do not agree on the potential impact of this missense change (SIFT: "Deleterious"; PolyPhen-2: "Benign"; Align-GVGD: "Class C0"). In summary, the available evidence is currently insufficient to determine the role of this variant in disease. Therefore, it has been classified as a Variant of Uncertain Significance.

NM_002485.5(NBN):c.539T>G (p.Phe180Cys)

Gene: NBN (nibrin; minus strand). Cytogenetic location: 8q21.3.
Variant type: single nucleotide variant.
Coding change: c.539T>G on transcript NM_002485.5 (MANE Select); coding-DNA position 539, T replaced by G.
Protein change: p.Phe180Cys; replaces phenylalanine 180 with cysteine.
Molecular consequence: missense variant.
Genome position (GRCh38, 1-based): chr8:89,978,265, A>C on the plus strand (T>G on the coding strand, the complement: NBN is on the minus strand). VCF-style: chr8-89978265-A-C. GRCh37 (hg19) VCF-style: chr8-90990493-A-C.
Other names: c.293T>G, p.Phe98Cys (NM_001024688.3); short protein forms F180C, F98C.
Identifiers: ClinVar variation 411744 (VCV000411744.8), dbSNP rs1060503457, ClinGen allele CA16612375.